The following is an entry in ClinVar:

ClinVar aggregate classification (germline): Likely benign. Review status: criteria provided, single submitter (1 of 4 stars). 2 submissions from 2 submitters: Likely benign (1). 1 of the submissions does not count toward it. Last evaluated 2022-01-12.

Conditions:
PKD1-related disorder. Also called: PKD1-related condition.

Allele frequency attached by ClinVar (database versions not stated): TOPMed 0.00002; gnomAD 0.00003; gnomAD exomes 0.00006; ExAC 0.00008; 1000 Genomes Project 30x 0.00016; 1000 Genomes Project 0.00020.
gnomAD v4.1: 86 of 1,601,538 alleles (0.0054%); highest among the groups gnomAD compares: East Asian, 0.17%; no homozygotes.

Submissions (2):

Blueprint Genetics
Classification: Likely benign. Last evaluated: 2022-01-12. Review status: criteria provided, single submitter. Criteria: ACMG Guidelines, 2015. Collection method: clinical testing. Allele origin: germline.

PreventionGenetics, part of Exact Sciences
Classification: Likely benign for PKD1-related condition. Last evaluated: 2019-05-17. Review status: no assertion criteria provided. Collection method: clinical testing. Allele origin: germline. Not counted in ClinVar's aggregate classification.
Comment: This variant is classified as likely benign based on ACMG/AMP sequence variant interpretation guidelines (Richards et al. 2015 PMID: 25741868, with internal and published modifications).

NM_001009944.3(PKD1):c.6231G>A (p.Ala2077=)

Gene: PKD1 (polycystin 1, transient receptor potential channel interacting; minus strand). Cytogenetic location: 16p13.3.
Variant type: single nucleotide variant.
Coding change: c.6231G>A on transcript NM_001009944.3 (MANE Select); coding-DNA position 6231, G replaced by A.
Protein change: p.Ala2077=; no amino-acid change (alanine 2077 retained).
Molecular consequence: synonymous variant.
Genome position (GRCh38, 1-based): chr16:2,108,936, C>T on the plus strand (G>A on the coding strand, the complement: PKD1 is on the minus strand). VCF-style: chr16-2108936-C-T. GRCh37 (hg19) VCF-style: chr16-2158937-C-T.
Other names: c.6231G>A, p.Ala2077= (NM_000296.4).
Identifiers: ClinVar variation 3037778 (VCV003037778.3), dbSNP rs548665036, ClinGen allele CA7831663.